The following is an entry in ClinVar:

ClinVar aggregate classification (germline): Uncertain significance (1 of 4 stars; one submission).

Submission:

GeneDx
Classification: Uncertain significance. Last evaluated: 2025-05-13. Review status: criteria provided, single submitter. Criteria: GeneDx Variant Classification Process June 2021. Collection method: clinical testing. Allele origin: germline. Affected: yes.
Comment: Not observed at significant frequency in large population cohorts (gnomAD); In silico analysis supports that this missense variant has a deleterious effect on protein structure/function; Has not been previously published as pathogenic or benign to our knowledge

NM_001013838.3(CARMIL2):c.3049C>T (p.Arg1017Cys)

Gene: CARMIL2 (capping protein regulator and myosin 1 linker 2; plus strand). Cytogenetic location: 16q22.1.
Variant type: single nucleotide variant.
Coding change: c.3049C>T on transcript NM_001013838.3 (MANE Select); coding-DNA position 3049, C replaced by T.
Protein change: p.Arg1017Cys; replaces arginine 1017 with cysteine.
Molecular consequence: missense variant.
Genome position (GRCh38, 1-based): chr16:67,653,183, C>T. VCF-style: chr16-67653183-C-T. GRCh37 (hg19) VCF-style: chr16-67687086-C-T.
Other names: c.2941C>T, p.Arg981Cys (NM_001317026.3, NM_001438244.1, NM_001438835.1); short protein forms R1017C, R981C.
Identifiers: ClinVar variation 4529756 (VCV004529756.1).